The following is an entry in ClinVar:

NM_000444.6(PHEX):c.2141A>G (p.Gln714Arg)

Genes: PTCHD1-AS (PTCHD1 and PHEX antisense RNA; minus strand), PHEX (phosphate regulating endopeptidase X-linked; plus strand). Cytogenetic location: Xp22.11.
Variant type: single nucleotide variant.
Coding change: c.2141A>G on transcript NM_000444.6 (MANE Select); coding-DNA position 2141, A replaced by G.
Protein change: p.Gln714Arg; replaces glutamine 714 with arginine.
Molecular consequence: missense variant. On other transcripts: intron variant (1).
Genome position (GRCh38, 1-based): chrX:22,245,403, A>G. VCF-style: chrX-22245403-A-G. GRCh37 (hg19) VCF-style: chrX-22263520-A-G.
Other names: c.2071-2448A>G (NM_001282754.2); short protein forms Q714R.
Identifiers: ClinVar variation 3626562 (VCV003626562.4).
Genomic context (GRCh38, chrX:22,245,403, plus strand): 5'-ATTCCTACAGACCAGAAGCTGCCCGAGAACAAGTCCAAATTGGTGCTCACAGTCCCCCTC[A>G]GTTTAGGTAAATGGGCAAATGGGTGACGGCAGTTTTTAACTGTACATCTCCCCCCTTCCT-3'
Protein context (NP_000435.3, residues 704-724): QVQIGAHSPP[Gln714Arg]FRVNGAISNF

ClinVar aggregate classification (germline): Uncertain significance. Review status: criteria provided, multiple submitters, no conflicts (2 of 4 stars). 2 submissions from 2 submitters: Uncertain significance (2). Last evaluated 2025-04-28.

gnomAD v4.1: 9 of 1,194,018 alleles (0.00075%); highest among the groups gnomAD compares: Admixed American, 0.0065%; no homozygotes.

Submissions (2):

Labcorp Genetics (formerly Invitae), Labcorp
Classification: Uncertain significance. Last evaluated: 2025-04-28. Review status: criteria provided, single submitter. Criteria: Invitae Variant Classification Sherloc (09022015). Collection method: clinical testing. Allele origin: germline.
Comment: This sequence change replaces glutamine, which is neutral and polar, with arginine, which is basic and polar, at codon 714 of the PHEX protein (p.Gln714Arg). This variant is present in population databases (rs769039646, gnomAD 0.008%), including at least one homozygous and/or hemizygous individual. This variant has not been reported in the literature in individuals affected with PHEX-related conditions. ClinVar contains an entry for this variant (Variation ID: 3626562). Invitae Evidence Modeling of protein sequence and biophysical properties (such as structural, functional, and spatial information, amino acid conservation, physicochemical variation, residue mobility, and thermodynamic stability) has been performed for this missense variant. However, the output from this modeling did not meet the statistical confidence thresholds required to predict the impact of this variant on PHEX protein function. In summary, the available evidence is currently insufficient to determine the role of this variant in disease. Therefore, it has been classified as a Variant of Uncertain Significance.

Dasa
Classification: Uncertain significance. Last evaluated: 2025-01-31. Review status: criteria provided, single submitter. Criteria: DASA Assertion Criteria. Collection method: clinical testing. Allele origin: germline.
Comment: NM_000444.6(PHEX):c.2141A>G (p.Gln714Arg) is a missense variant that results in the substitution of glutamine with arginine. The affected residue or protein region has prior evidence supporting clinical relevance. This variant is rare in population databases. Computational prediction algorithms are consistent with a benign effect. The currently available literature and clinical evidence are not sufficient to establish a definitive association between this variant and the reported condition. Therefore, this variant is classified as a variant of uncertain significance.